The following is an entry in ClinVar:

ClinVar aggregate classification (germline): Benign/Likely benign. Review status: criteria provided, multiple submitters, no conflicts (2 of 4 stars). 8 submissions from 8 submitters: Benign (1); Likely benign (5). 2 of the submissions do not count toward it. Last evaluated 2025-11-27.

Conditions:
Hereditary cancer-predisposing syndrome. Also called: Neoplastic Syndromes, Hereditary; Hereditary Cancer Syndrome; Hereditary neoplastic syndrome; Tumor predisposition. Identifiers: Orphanet 140162, MedGen C0027672, MeSH D009386, MONDO:0015356.
PALB2-related disorder. Also called: PALB2-related condition; PALB2-related disorders.
Familial cancer of breast. Also called: BREAST CANCER, FAMILIAL; Hereditary breast cancer; hereditary breast carcinoma. Identifiers: Orphanet 227535, MedGen C0346153, MONDO:0016419, OMIM 114480. Disease mechanism: loss of function.

Allele frequency attached by ClinVar (database versions not stated): 1000 Genomes Project 30x 0.00016; 1000 Genomes Project 0.00020.
gnomAD v4.1: 3 of 1,614,140 alleles (0.00019%); highest among the groups gnomAD compares: East Asian, 0.0022%; no homozygotes.

Submissions (8):

Labcorp Genetics (formerly Invitae), Labcorp
Classification: Likely benign for Familial cancer of breast. Last evaluated: 2025-11-27. Review status: criteria provided, single submitter. Criteria: Invitae Variant Classification Sherloc (09022015). Collection method: clinical testing. Allele origin: germline.

Myriad Genetics, Inc.
Classification: Benign for Familial cancer of breast. Last evaluated: 2025-01-16. Review status: criteria provided, single submitter. Criteria: Myriad Autosomal Dominant, Autosomal Recessive and X-Linked Classification Criteria (2023). Collection method: clinical testing. Allele origin: unknown.
Comment: This variant is considered benign. This variant is a silent/synonymous amino acid change and it is not expected to impact splicing.

Quest Diagnostics Nichols Institute San Juan Capistrano
Classification: Likely benign. Last evaluated: 2021-06-06. Review status: criteria provided, single submitter. Criteria: Quest Diagnostics criteria. Collection method: clinical testing. Allele origin: unknown.

Color Diagnostics, LLC DBA Color Health
Classification: Likely benign for Hereditary cancer-predisposing syndrome. Last evaluated: 2018-03-08. Review status: criteria provided, single submitter. Criteria: ACMG Guidelines, 2015. Collection method: clinical testing. Allele origin: germline.

GeneDx
Classification: Likely benign. Last evaluated: 2017-05-24. Review status: criteria provided, single submitter. Criteria: GeneDx Variant Classification (06012015). Collection method: clinical testing. Allele origin: germline. Affected: yes.
Comment: This variant is considered likely benign or benign based on one or more of the following criteria: it is a conservative change, it occurs at a poorly conserved position in the protein, it is predicted to be benign by multiple in silico algorithms, and/or has population frequency not consistent with disease.

Ambry Genetics
Classification: Likely benign for Hereditary cancer-predisposing syndrome. Last evaluated: 2015-10-17. Review status: criteria provided, single submitter. Criteria: Ambry Variant Classification Scheme 2023. Collection method: clinical testing. Allele origin: germline.

PreventionGenetics, part of Exact Sciences
Classification: Likely benign for PALB2-related condition. Last evaluated: 2023-07-19. Review status: no assertion criteria provided. Collection method: clinical testing. Allele origin: germline. Not counted in ClinVar's aggregate classification.
Comment: This variant is classified as likely benign based on ACMG/AMP sequence variant interpretation guidelines (Richards et al. 2015 PMID: 25741868, with internal and published modifications).

Leiden Open Variation Database
Classification: Uncertain significance for Familial cancer of breast. Last evaluated: 2019-05-13. Review status: no assertion criteria provided. Collection method: curation. Allele origin: germline. Affected: yes. Not counted in ClinVar's aggregate classification.
Comment: Curators: Marc Tischkowitz, Arleen D. Auerbach. Submitter to LOVD: Marc Tischkowitz.

Literature cited by the submitters: PubMed 24556926 (cited by Quest Diagnostics Nichols Institute San Juan Capistrano and Leiden Open Variation Database).

NM_024675.4(PALB2):c.2418G>T (p.Pro806=)

Gene: PALB2 (partner and localizer of BRCA2; minus strand). Cytogenetic location: 16p12.2.
Variant type: single nucleotide variant.
Coding change: c.2418G>T on transcript NM_024675.4 (MANE Select); coding-DNA position 2418, G replaced by T.
Protein change: p.Pro806=; no amino-acid change (proline 806 retained).
Molecular consequence: synonymous variant.
Genome position (GRCh38, 1-based): chr16:23,629,736, C>A on the plus strand (G>T on the coding strand, the complement: PALB2 is on the minus strand). VCF-style: chr16-23629736-C-A. GRCh37 (hg19) VCF-style: chr16-23641057-C-A.
Identifiers: ClinVar variation 460941 (VCV000460941.25), dbSNP rs577076372, ClinGen allele CA7963579.